The following is an entry in ClinVar:

ClinVar aggregate classification (germline): Likely benign. Review status: criteria provided, multiple submitters, no conflicts (2 of 4 stars). 5 submissions from 5 submitters: Likely benign (5). Last evaluated 2025-12-14.

Conditions:
RYR1-related disorder. Also called: RYR1-related disorders; RYR1-related condition. Identifiers: MedGen CN239331.
Malignant hyperthermia, susceptibility to, 1 (MHS1). Also called: Anesthesia related hyperthermia; Malignant hyperpyrexia; Fulminating hyperpyrexia; Pharmacogenic myopathy; RYR1-Related Malignant Hyperthermia Susceptibility; Malignant hyperthermia suceptibility 1. Identifiers: Orphanet 423, MedGen C2930980, MONDO:0007783, OMIM 145600.

Allele frequency attached by ClinVar (database versions not stated): gnomAD 0.00002 and 0.00004; TOPMed 0.00002; gnomAD exomes 0.00004 and 0.00005; ExAC 0.00007.

Submissions (5):

Labcorp Genetics (formerly Invitae), Labcorp
Classification: Likely benign for RYR1-related disorder. Last evaluated: 2025-12-14. Review status: criteria provided, single submitter. Criteria: Invitae Variant Classification Sherloc (09022015). Collection method: clinical testing. Allele origin: germline.

CeGaT Center for Human Genetics Tuebingen
Classification: Likely benign. Last evaluated: 2025-10-01. Review status: criteria provided, single submitter. Criteria: CeGaT Center For Human Genetics Tuebingen Variant Classification Criteria Version 2. Collection method: clinical testing. Allele origin: germline. Affected: yes. Observed: 2 variant alleles.
Comment: RYR1: BP4, BP7

Blueprint Genetics
Classification: Likely benign. Last evaluated: 2024-10-25. Review status: criteria provided, single submitter. Criteria: ACMG Guidelines, 2015. Collection method: clinical testing. Allele origin: germline.

All of Us Research Program, National Institutes of Health
Classification: Likely benign for Malignant hyperthermia, susceptibility to, 1. Last evaluated: 2023-12-13. Review status: criteria provided, single submitter. Criteria: ACMG Guidelines, 2015. Collection method: clinical testing. Allele origin: germline. Inheritance: Autosomal dominant inheritance. Observed: 6 variant alleles, 6 heterozygotes.
Comment: This study involves interpretation of variants in research participants for the purpose of population health screening. Participant phenotype was not available at the time of variant classification. Additional details can be found in publication PMID: 35346344, PMCID: PMC8962531

Color Diagnostics, LLC DBA Color Health
Classification: Likely benign for Malignant hyperthermia, susceptibility to, 1. Last evaluated: 2022-11-06. Review status: criteria provided, single submitter. Criteria: ACMG Guidelines, 2015. Collection method: clinical testing. Allele origin: germline.

NM_000540.3(RYR1):c.3093G>A (p.Lys1031=)

Gene: RYR1 (ryanodine receptor 1; plus strand). Cytogenetic location: 19q13.2.
Variant type: single nucleotide variant.
Coding change: c.3093G>A on transcript NM_000540.3 (MANE Select); coding-DNA position 3093, G replaced by A.
Protein change: p.Lys1031=; no amino-acid change (lysine 1031 retained).
Molecular consequence: synonymous variant.
Genome position (GRCh38, 1-based): chr19:38,466,313, G>A. VCF-style: chr19-38466313-G-A. GRCh37 (hg19) VCF-style: chr19-38956953-G-A.
Other names: c.3093G>A, p.Lys1031= (NM_001042723.2).
Identifiers: ClinVar variation 696752 (VCV000696752.41), dbSNP rs748021486, ClinGen allele CA064395.